The following is an entry in ClinVar:

NM_007294.4(BRCA1):c.1507A>T (p.Lys503Ter)

Gene: BRCA1 (BRCA1 DNA repair associated; minus strand). Cytogenetic location: 17q21.31.
Variant type: single nucleotide variant.
Coding change: c.1507A>T on transcript NM_007294.4 (MANE Select); coding-DNA position 1507, A replaced by T.
Protein change: p.Lys503Ter; replaces lysine 503 with a stop codon.
Molecular consequence: nonsense. On other transcripts: intron variant (137).
Genome position (GRCh38, 1-based): chr17:43,094,024, T>A on the plus strand (A>T on the coding strand, the complement: BRCA1 is on the minus strand). VCF-style: chr17-43094024-T-A. GRCh37 (hg19) VCF-style: chr17-41246041-T-A.
Other names: c.1294A>T, p.Lys432Ter (NM_001407571.1, NM_001407853.1, NM_001407894.1 and 9 more transcripts); c.1507A>T, p.Lys503Ter (NM_001407581.1, NM_001407582.1, NM_001407583.1 and 30 more transcripts); c.1504A>T, p.Lys502Ter (NM_001407587.1, NM_001407590.1, NM_001407591.1 and 22 more transcripts); c.1498A>T, p.Lys500Ter (NM_001407646.1, NM_001407647.1); c.1384A>T, p.Lys462Ter (NM_001407648.1, NM_001407664.1, NM_001407665.1 and 19 more transcripts); c.1381A>T, p.Lys461Ter (NM_001407649.1, NM_001407670.1, NM_001407671.1 and 11 more transcripts); c.1429A>T, p.Lys477Ter (NM_001407653.1, NM_001407654.1, NM_001407655.1 and 4 more transcripts); c.1426A>T, p.Lys476Ter (NM_001407659.1, NM_001407660.1, NM_001407661.1 and 1 more transcripts); and 40 more; short protein forms K456*, K503*, K375*, K414*, K415*, K461*, K477*, K207*.
Identifiers: ClinVar variation 4625641 (VCV004625641.1).

ClinVar aggregate classification (germline): Pathogenic (1 of 4 stars; one submission).

Conditions:
Hereditary cancer-predisposing syndrome. Also called: Neoplastic Syndromes, Hereditary; Tumor predisposition; Hereditary Cancer Syndrome; Hereditary neoplastic syndrome. Identifiers: Orphanet 140162, MedGen C0027672, MeSH D009386, MONDO:0015356.

Submission:

Ambry Genetics
Classification: Pathogenic for Hereditary cancer-predisposing syndrome. Last evaluated: 2025-12-09. Review status: criteria provided, single submitter. Criteria: Ambry Variant Classification Scheme 2023. Collection method: clinical testing. Allele origin: germline.
Comment: The p.K503* pathogenic mutation (also known as c.1507A>T), located in coding exon 9 of the BRCA1 gene, results from an A to T substitution at nucleotide position 1507. This changes the amino acid from a lysine to a stop codon within coding exon 9. This variant is considered to be rare based on population cohorts in the Genome Aggregation Database (gnomAD). This alteration is expected to result in loss of function by premature protein truncation or nonsense-mediated mRNA decay. As such, this alteration is interpreted as a disease-causing mutation.